The following is an entry in ClinVar:

NM_000455.5(STK11):c.214C>T (p.Leu72=)

Gene: STK11 (serine/threonine kinase 11; plus strand). Cytogenetic location: 19p13.3.
Variant type: single nucleotide variant.
Coding change: c.214C>T on transcript NM_000455.5 (MANE Select); coding-DNA position 214, C replaced by T.
Protein change: p.Leu72=; no amino-acid change (leucine 72 retained).
Molecular consequence: synonymous variant.
Genome position (GRCh38, 1-based): chr19:1,207,127, C>T. VCF-style: chr19-1207127-C-T. GRCh37 (hg19) VCF-style: chr19-1207126-C-T.
Identifiers: ClinVar variation 237797 (VCV000237797.20), dbSNP rs776369486, ClinGen allele CA046555.

ClinVar aggregate classification (germline): Benign/Likely benign. Review status: criteria provided, multiple submitters, no conflicts (2 of 4 stars). 5 submissions from 5 submitters: Benign (1); Likely benign (4). Last evaluated 2025-06-30.

Conditions:
Hereditary cancer-predisposing syndrome. Also called: Neoplastic Syndromes, Hereditary; Hereditary Cancer Syndrome; Tumor predisposition; Hereditary neoplastic syndrome. Identifiers: Orphanet 140162, MedGen C0027672, MeSH D009386, MONDO:0015356.
Peutz-Jeghers syndrome (PJS). Also called: POLYPOSIS, HAMARTOMATOUS INTESTINAL; POLYPS-AND-SPOTS SYNDROME; Peutz-Jeghers polyposis; Periorificial lentiginosis syndrome. Identifiers: Orphanet 2869, MedGen C0031269, MeSH D010580, MONDO:0008280, OMIM 175200.

Allele frequency attached by ClinVar (database versions not stated): ExAC 0.00001; gnomAD exomes 0.00001.
gnomAD v4.1: 17 of 1,613,744 alleles (0.0011%); highest among the groups gnomAD compares: Non-Finnish European, 0.0014%; no homozygotes.

Submissions (5):

Labcorp Genetics (formerly Invitae), Labcorp
Classification: Likely benign for Peutz-Jeghers syndrome. Last evaluated: 2025-06-30. Review status: criteria provided, single submitter. Criteria: Invitae Variant Classification Sherloc (09022015). Collection method: clinical testing. Allele origin: germline.

Myriad Genetics, Inc.
Classification: Benign for Peutz-Jeghers syndrome. Last evaluated: 2025-03-25. Review status: criteria provided, single submitter. Criteria: Myriad Autosomal Dominant, Autosomal Recessive and X-Linked Classification Criteria (2023). Collection method: clinical testing. Allele origin: unknown.
Comment: This variant is considered benign. This variant is a silent/synonymous amino acid change and it is not expected to impact splicing.

Blueprint Genetics
Classification: Likely benign. Last evaluated: 2020-03-02. Review status: criteria provided, single submitter. Criteria: ACMG Guidelines, 2015. Collection method: clinical testing. Allele origin: germline.

Ambry Genetics
Classification: Likely benign for Hereditary cancer-predisposing syndrome. Last evaluated: 2019-11-23. Review status: criteria provided, single submitter. Criteria: Ambry Variant Classification Scheme 2023. Collection method: clinical testing. Allele origin: germline.

Color Diagnostics, LLC DBA Color Health
Classification: Likely benign for Hereditary cancer-predisposing syndrome. Last evaluated: 2017-07-18. Review status: criteria provided, single submitter. Criteria: ACMG Guidelines, 2015. Collection method: clinical testing. Allele origin: germline.